The following is an entry in ClinVar:

ClinVar aggregate classification (germline): Likely pathogenic. Review status: criteria provided, multiple submitters, no conflicts (2 of 4 stars). 2 submissions from 2 submitters: Likely pathogenic (2). Last evaluated 2022-03-31.

Conditions:
Hydrops-lactic acidosis-sideroblastic anemia-multisystemic failure syndrome. Also called: Hydrops, lactic acidosis, and sideroblastic anemia. Identifiers: Orphanet 528091, MedGen C4310761, MONDO:0014869, OMIM 617021.
Perrault syndrome 4 (PRLTS4). Identifiers: Orphanet 2855, MedGen C3809105, MONDO:0014126, OMIM 615300.

Allele frequency attached by ClinVar (database versions not stated): gnomAD exomes 0.00001; TOPMed 0.00001.
gnomAD v4.1: 15 of 1,613,086 alleles (0.00093%); highest among the groups gnomAD compares: Non-Finnish European, 0.0013%; no homozygotes.

Submissions (2):

Victorian Clinical Genetics Services, Murdoch Childrens Research Institute
Classification: Likely pathogenic for Hydrops-lactic acidosis-sideroblastic anemia-multisystemic failure syndrome. Last evaluated: 2022-03-31. Review status: criteria provided, single submitter. Criteria: ACMG Guidelines, 2015. Collection method: clinical testing. Allele origin: germline. Inheritance: Autosomal recessive inheritance.
Comment: Based on the classification scheme VCGS_Germline_v1.3.4, this variant is classified as Likely Pathogenic. Following criteria are met: 0102 - Loss of function is a known mechanism of disease in this gene and is associated with Perrault syndrome 4 (MIM#615300). (I) 0106 - This gene is associated with autosomal recessive disease. (I) 0200 - Variant is predicted to result in a missense amino acid change from proline to leucine. (I) 0301 - Variant is absent from gnomAD (both v2 and v3). (SP) 0309 - An alternative amino acid change at the same position has been observed in gnomAD (v3: 1 heterozygote, 0 homozygotes). (I) 0502 - Missense variant with conflicting in silico predictions and very high conservation. (I) 0600 - Variant is located in the annotated tRNA synthetase domain (DECIPHER). (I) 0705 - No comparable missense variants have previous evidence for pathogenicity. (I) 0807 - This variant has no previous evidence of pathogenicity. (I) 0905 - No published segregation evidence has been identified for this variant. (I) 1002 - This variant has moderate functional evidence supporting abnormal protein function. In vitro assays demonstrated a six fold decrease in catalytic efficiency when compared to wild-type (PMID: 32442335). (SP) 1208 - Inheritance information for this variant is not currently available in this individual. (I) Legend: (SP) - Supporting pathogenic, (I) - Information, (SB) - Supporting benign

Kids Research, The Children's Hospital at Westmead
Classification: Likely pathogenic for Perrault syndrome 4. Last evaluated: 2019-07-18. Review status: criteria provided, single submitter. Criteria: ACMG Guidelines, 2015. Collection method: research. Allele origin: unknown. Affected: yes. Observed: 1 compound heterozygote.

Literature cited by the submitters: PubMed 32442335 (cited by Victorian Clinical Genetics Services, Murdoch Childrens Research Institute).

NM_015340.4(LARS2):c.1607C>T (p.Pro536Leu)

Genes: LARS2 (leucyl-tRNA synthetase 2, mitochondrial; plus strand), LARS2-AS1 (LARS2 antisense RNA 1; minus strand). Cytogenetic location: 3p21.31.
Variant type: single nucleotide variant.
Coding change: c.1607C>T on transcript NM_015340.4 (MANE Select); coding-DNA position 1607, C replaced by T.
Protein change: p.Pro536Leu; replaces proline 536 with leucine.
Molecular consequence: missense variant.
Genome position (GRCh38, 1-based): chr3:45,496,358, C>T. VCF-style: chr3-45496358-C-T. GRCh37 (hg19) VCF-style: chr3-45537850-C-T.
Other names: c.1607C>T, p.Pro536Leu (NM_001368263.1); short protein forms P536L.
Identifiers: ClinVar variation 691524 (VCV000691524.3), dbSNP rs1575292827, ClinGen allele CA352426833.